The following is an entry in ClinVar:

NM_145285.3(NKX2-3):c.831C>G (p.Ala277=)

Gene: NKX2-3 (NK2 homeobox 3; plus strand). Cytogenetic location: 10q24.2.
Variant type: single nucleotide variant.
Coding change: c.831C>G on transcript NM_145285.3 (MANE Select); coding-DNA position 831, C replaced by G.
Protein change: p.Ala277=; no amino-acid change (alanine 277 retained).
Molecular consequence: synonymous variant.
Genome position (GRCh38, 1-based): chr10:99,535,457, C>G. VCF-style: chr10-99535457-C-G. GRCh37 (hg19) VCF-style: chr10-101295214-C-G.
Identifiers: ClinVar variation 3904982 (VCV003904982.10).

ClinVar aggregate classification (germline): Likely benign (1 of 4 stars; one submission).

gnomAD v4.1: 395 of 1,223,176 alleles (0.032%); highest among the groups gnomAD compares: Middle Eastern, 0.46%; 2 homozygotes.

Submission:

CeGaT Center for Human Genetics Tuebingen
Classification: Likely benign. Last evaluated: 2025-10-01. Review status: criteria provided, single submitter. Criteria: CeGaT Center For Human Genetics Tuebingen Variant Classification Criteria Version 2. Collection method: clinical testing. Allele origin: germline. Affected: yes. Observed: 3 variant alleles.
Comment: NKX2-3: BP4, BP7